The following is an entry in ClinVar:

ClinVar aggregate classification (germline): Uncertain significance (1 of 4 stars; one submission).

Conditions:
Joubert syndrome. Also called: JOUBERT-BOLTSHAUSER SYNDROME; Familial aplasia of the vermis. Identifiers: Orphanet 475, MedGen C5979921, MONDO:0018772.
Meckel-Gruber syndrome. Also called: Dysencephalia splachnocystica; DYSENCEPHALIA SPLANCHNOCYSTICA; GRUBER SYNDROME. Identifiers: Orphanet 564, MedGen C0265215, MONDO:0018921.

Allele frequency attached by ClinVar (database versions not stated): TOPMed below 0.00001; ExAC 0.00001; gnomAD 0.00001.
gnomAD v4.1: 4 of 1,556,246 alleles (0.00026%); highest among the groups gnomAD compares: Non-Finnish European, 0.00035%; no homozygotes.

Submissions (2):

Labcorp Genetics (formerly Invitae), Labcorp
Classification: Uncertain significance for Joubert syndrome; Meckel-Gruber syndrome. Last evaluated: 2022-06-13. Review status: criteria provided, single submitter. Criteria: Invitae Variant Classification Sherloc (09022015). Collection method: clinical testing. Allele origin: germline.
Comment: This sequence change replaces valine, which is neutral and non-polar, with phenylalanine, which is neutral and non-polar, at codon 728 of the CC2D2A protein (p.Val728Phe). In summary, the available evidence is currently insufficient to determine the role of this variant in disease. Therefore, it has been classified as a Variant of Uncertain Significance. Algorithms developed to predict the effect of sequence changes on RNA splicing suggest that this variant may disrupt the consensus splice site. Algorithms developed to predict the effect of missense changes on protein structure and function are either unavailable or do not agree on the potential impact of this missense change (SIFT: "Deleterious"; PolyPhen-2: "Possibly Damaging"; Align-GVGD: "Class C0"). ClinVar contains an entry for this variant (Variation ID: 1041388). This variant has not been reported in the literature in individuals affected with CC2D2A-related conditions. This variant is not present in population databases (gnomAD no frequency).

Dr. Peter K. Rogan Lab, Western University
No classification provided (evidence only). Condition: Ovarian serous cystadenocarcinoma. Review status: no classification provided. Collection method: in vitro. Allele origin: not applicable. Functional consequence: retained intron. Not counted in ClinVar's aggregate classification.

NM_001378615.1(CC2D2A):c.2182G>T (p.Val728Phe)

Genes: CC2D2A (coiled-coil and C2 domain containing 2A; plus strand), FBXL5 (F-box and leucine rich repeat protein 5; minus strand). Cytogenetic location: 4p15.32.
Variant type: single nucleotide variant.
Coding change: c.2182G>T on transcript NM_001378615.1 (MANE Select); coding-DNA position 2182, G replaced by T.
Protein change: p.Val728Phe; replaces valine 728 with phenylalanine.
Molecular consequence: missense variant.
Genome position (GRCh38, 1-based): chr4:15,550,824, G>T. VCF-style: chr4-15550824-G-T. GRCh37 (hg19) VCF-style: chr4-15552447-G-T.
Other names: c.2035G>T, p.Val679Phe (NM_001378617.1); c.2182G>T, p.Val728Phe (NM_001080522.2); short protein forms V728F, V679F.
Identifiers: ClinVar variation 1041388 (VCV001041388.9), dbSNP rs752814776, ClinGen allele CA2863863.
Genomic context (GRCh38, chr4:15,550,824, plus strand): 5'-CTGAGCGTGAGCACACACTACTGCTGTTTTTATTGGCTATTTCTCTTCTCTGGTTTTCAG[G>T]TCTATGAAACTGTCGGACACAGTAGTCCCACCTTGCTAGCAGAAGTGTTTCTGCCTATTC-3'
Protein context (NP_001365544.1, residues 718-738): VNWPESLTLQ[Val728Phe]YETVGHSSPT